The following is an entry in ClinVar:

NM_001378454.1(ALMS1):c.4616T>C (p.Leu1539Pro)

Gene: ALMS1 (ALMS1 centrosome and basal body associated protein; plus strand). Cytogenetic location: 2p13.1.
Variant type: single nucleotide variant.
Coding change: c.4616T>C on transcript NM_001378454.1 (MANE Select); coding-DNA position 4616, T replaced by C.
Protein change: p.Leu1539Pro; replaces leucine 1539 with proline.
Molecular consequence: missense variant.
Genome position (GRCh38, 1-based): chr2:73,451,143, T>C. VCF-style: chr2-73451143-T-C. GRCh37 (hg19) VCF-style: chr2-73678270-T-C.
Other names: c.4619T>C, p.Leu1540Pro (NM_015120.4); short protein forms L1540P, L1539P.
Identifiers: ClinVar variation 551395 (VCV000551395.5), dbSNP rs368273962, ClinGen allele CA1713732.

ClinVar aggregate classification (germline): Uncertain significance. Review status: criteria provided, multiple submitters, no conflicts (2 of 4 stars). 3 submissions from 3 submitters: Uncertain significance (2). 1 of the submissions does not count toward it. Last evaluated 2026-03-13.

Conditions:
Alstrom syndrome (ALMS). Identifiers: Orphanet 64, MedGen C0268425, MONDO:0008763, OMIM 203800.

Allele frequency attached by ClinVar (database versions not stated): gnomAD 0.00001; gnomAD exomes 0.00001; TOPMed 0.00001; ExAC 0.00002; ESP Exome Variant Server 0.00008.
gnomAD v4.1: 18 of 1,612,414 alleles (0.0011%); highest among the groups gnomAD compares: Non-Finnish European, 0.0014%; no homozygotes.

Submissions (3):

Women's Health and Genetics/Laboratory Corporation of America, LabCorp
Classification: Uncertain significance. Last evaluated: 2026-03-13. Review status: criteria provided, single submitter. Criteria: LabCorp Variant Classification Summary - May 2015. Collection method: clinical testing. Allele origin: germline.

Labcorp Genetics (formerly Invitae), Labcorp
Classification: Uncertain significance for Alstrom syndrome. Last evaluated: 2021-08-25. Review status: criteria provided, single submitter. Criteria: Invitae Variant Classification Sherloc (09022015). Collection method: clinical testing. Allele origin: germline.
Comment: This sequence change replaces leucine with proline at codon 1540 of the ALMS1 protein (p.Leu1540Pro). The leucine residue is weakly conserved and there is a moderate physicochemical difference between leucine and proline. This variant is present in population databases (rs368273962, ExAC 0.003%). This variant has not been reported in the literature in individuals affected with ALMS1-related conditions. ClinVar contains an entry for this variant (Variation ID: 551395). Experimental studies and prediction algorithms are not available or were not evaluated, and the functional significance of this variant is currently unknown. In summary, the available evidence is currently insufficient to determine the role of this variant in disease. Therefore, it has been classified as a Variant of Uncertain Significance.

Counsyl
Classification: Uncertain significance for Alstrom syndrome. Last evaluated: 2017-04-06. Review status: no assertion criteria provided. Collection method: clinical testing. Allele origin: unknown. Not counted in ClinVar's aggregate classification.